The following is an entry in ClinVar:

NM_002591.4(PCK1):c.705C>G (p.Tyr235Ter)

Gene: PCK1 (phosphoenolpyruvate carboxykinase 1; plus strand). Cytogenetic location: 20q13.31.
Variant type: single nucleotide variant.
Coding change: c.705C>G on transcript NM_002591.4 (MANE Select); coding-DNA position 705, C replaced by G.
Protein change: p.Tyr235Ter; replaces tyrosine 235 with a stop codon.
Molecular consequence: nonsense.
Genome position (GRCh38, 1-based): chr20:57,563,122, C>G. VCF-style: chr20-57563122-C-G. GRCh37 (hg19) VCF-style: chr20-56138178-C-G.
Other names: short protein forms Y235*.
Identifiers: ClinVar variation 3767977 (VCV003767977.1).
Genomic context (GRCh38, chr20:57,563,122, plus strand): 5'-GCTGACGCTCATCGCCCACCTGCCTGACCGCAGAGAGATCATCTCCTTTGGCAGTGGGTA[C>G]GGCGGGAACTCGCTGCTCGGGAAGAAGTGCTTTGCTCTCAGGATGGCCAGCCGGCTGGCC-3'

ClinVar aggregate classification (germline): Likely pathogenic (1 of 4 stars; one submission).

Conditions:
Phosphoenolpyruvate carboxykinase deficiency, cytosolic (PCKDC). Also called: PCK1 DEFICIENCY, CYTOSOLIC; PEPCK DEFICIENCY, CYTOSOLIC. Identifiers: Orphanet 2880, MedGen C5574905, MONDO:0009866, OMIM 261680.

Submission:

Diagnostics Services (NGS), CSIR - Centre For Cellular And Molecular Biology
Classification: Likely pathogenic for Phosphoenolpyruvate carboxykinase deficiency, cytosolic. Last evaluated: 2025-02-19. Review status: criteria provided, single submitter. Criteria: ACMG Guidelines, 2015. Collection method: clinical testing. Allele origin: germline. Affected: yes. Observed: 1 variant allele, 1 homozygote.
Comment: The c.705C>G variant is not present in publicly available population databases like 1000 Genomes, EVS, gnomAD, Indian Exome Database or our internal database. The variant has neither been reported in the literature in individuals affected with PCK1-related conditions nor reported to the clinical databases like Human Genome Mutation Database (HGMD), ClinVar or OMIM in any affected individuals. In-silico pathogenicity prediction programs like MutationTaster2021, CADD, Franklin, Varsome etc predicted this variant to be likely deleterious. This variant creates a premature translational stop signal at the 235th amino acid position of the wild-type transcript that may either result in translation of a truncated protein or cause nonsense mediated decay of the mRNA.